The following is an entry in ClinVar:

NM_198428.3(BBS9):c.1670T>G (p.Val557Gly)

Gene: BBS9 (Bardet-Biedl syndrome 9; plus strand). Cytogenetic location: 7p14.3.
Variant type: single nucleotide variant.
Coding change: c.1670T>G on transcript NM_198428.3 (MANE Select); coding-DNA position 1670, T replaced by G.
Protein change: p.Val557Gly; replaces valine 557 with glycine.
Molecular consequence: missense variant. On other transcripts: non-coding transcript variant (3).
Genome position (GRCh38, 1-based): chr7:33,357,972, T>G. VCF-style: chr7-33357972-T-G. GRCh37 (hg19) VCF-style: chr7-33397584-T-G.
Other names: c.1565T>G, p.Val522Gly (NM_001033604.2); c.1655T>G, p.Val552Gly (NM_001033605.2); c.1670T>G, p.Val557Gly (NM_001348036.1, NM_001348041.4, NM_001348043.3 and 1 more transcripts); c.1304T>G, p.Val435Gly (NM_001348037.3, NM_001348045.3, NM_001348046.3); c.1397T>G, p.Val466Gly (NM_001348038.3); c.1292T>G, p.Val431Gly (NM_001348039.3); c.1550T>G, p.Val517Gly (NM_001348040.3, NM_014451.4); c.1535T>G, p.Val512Gly (NM_001348042.3); and 1 more; short protein forms V512G, V552G, V400G, V435G, V517G, V466G, V557G, V431G.
Identifiers: ClinVar variation 955931 (VCV000955931.6), dbSNP rs1819942366, ClinGen allele CA367252278.

ClinVar aggregate classification (germline): Uncertain significance (1 of 4 stars; one submission).

Conditions:
Bardet-Biedl syndrome (BBS). Identifiers: Orphanet 110, MedGen C0752166, MONDO:0015229.

Submission:

Labcorp Genetics (formerly Invitae), Labcorp
Classification: Uncertain significance for Bardet-Biedl syndrome. Last evaluated: 2022-08-16. Review status: criteria provided, single submitter. Criteria: Invitae Variant Classification Sherloc (09022015). Collection method: clinical testing. Allele origin: germline.
Comment: This sequence change replaces valine, which is neutral and non-polar, with glycine, which is neutral and non-polar, at codon 557 of the BBS9 protein (p.Val557Gly). This variant is not present in population databases (gnomAD no frequency). This variant has not been reported in the literature in individuals affected with BBS9-related conditions. ClinVar contains an entry for this variant (Variation ID: 955931). Algorithms developed to predict the effect of missense changes on protein structure and function are either unavailable or do not agree on the potential impact of this missense change (SIFT: "Deleterious"; PolyPhen-2: "Probably Damaging"; Align-GVGD: "Class C0"). In summary, the available evidence is currently insufficient to determine the role of this variant in disease. Therefore, it has been classified as a Variant of Uncertain Significance.